The following is an entry in ClinVar:

NM_005445.4(SMC3):c.1557C>A (p.Phe519Leu)

Gene: SMC3 (structural maintenance of chromosomes 3; plus strand). Cytogenetic location: 10q25.2.
Variant type: single nucleotide variant.
Coding change: c.1557C>A on transcript NM_005445.4 (MANE Select); coding-DNA position 1557, C replaced by A.
Protein change: p.Phe519Leu; replaces phenylalanine 519 with leucine.
Molecular consequence: missense variant.
Genome position (GRCh38, 1-based): chr10:110,590,459, C>A. VCF-style: chr10-110590459-C-A. GRCh37 (hg19) VCF-style: chr10-112350217-C-A.
Other names: short protein forms F519L.
Identifiers: ClinVar variation 588383 (VCV000588383.5), dbSNP rs1246875158, ClinGen allele CA378388904.
Genomic context (GRCh38, chr10:110,590,459, plus strand): 5'-TGACAACTTACAGGCCATTTTAAATGGAATAGACAGCATAAACAAAGTGCTAGACCACTT[C>A]CGTCGAAAAGGAATAAACCAGCATGTTCAAAATGGCTATCATGGTATTGTAATGAATAAC-3'
Protein context (NP_005436.1, residues 509-529): IDSINKVLDH[Phe519Leu]RRKGINQHVQ

ClinVar aggregate classification (germline): Uncertain significance (1 of 4 stars; one submission).

Conditions:
Inborn genetic diseases. Identifiers: MedGen C0950123, MeSH D030342.

Allele frequency attached by ClinVar (database versions not stated): gnomAD exomes below 0.00001; TOPMed below 0.00001.
gnomAD v4.1: 1 of 1,614,024 alleles (0.000062%); highest among the groups gnomAD compares: Admixed American, 0.0017%; no homozygotes.

Submission:

Ambry Genetics
Classification: Uncertain significance for Inborn genetic diseases. Last evaluated: 2016-10-31. Review status: criteria provided, single submitter. Criteria: Ambry Variant Classification Scheme 2023. Collection method: clinical testing. Allele origin: germline.
Comment: The p.F519L variant (also known as c.1557C>A), located in coding exon 16 of the SMC3 gene, results from a C to A substitution at nucleotide position 1557. The phenylalanine at codon 519 is replaced by leucine, an amino acid with highly similar properties. This variant was not reported in population based cohorts in the following databases: Database of Single Nucleotide Polymorphisms (dbSNP), NHLBI Exome Sequencing Project (ESP), and 1000 Genomes Project. In the ESP, this variant was not observed in 6503 samples (13006 alleles) with coverage at this position. This amino acid position is highly conserved in available vertebrate species. In addition, the in silico prediction for this alteration is inconclusive. Since supporting evidence is limited at this time, the clinical significance of this alteration remains unclear.